The following is an entry in ClinVar:

NM_024426.6(WT1):c.627C>T (p.Ser209=)

Genes: WT1 (WT1 transcription factor; minus strand), LOC107982234 (WT1/WT1-AS bi-directional promoter region; plus strand). Cytogenetic location: 11p13.
Variant type: single nucleotide variant.
Coding change: c.627C>T on transcript NM_024426.6 (MANE Select); coding-DNA position 627, C replaced by T.
Protein change: p.Ser209=; no amino-acid change (serine 209 retained).
Molecular consequence: synonymous variant. On other transcripts: non-coding transcript variant (1).
Genome position (GRCh38, 1-based): chr11:32,434,734, G>A on the plus strand (C>T on the coding strand, the complement: WT1 is on the minus strand). VCF-style: chr11-32434734-G-A. GRCh37 (hg19) VCF-style: chr11-32456280-G-A.
Other names: c.627C>T, p.Ser209= (NM_000378.6, NM_024424.5).
Identifiers: ClinVar variation 721318 (VCV000721318.13), dbSNP rs761530541, ClinGen allele CA065125.

ClinVar aggregate classification (germline): Likely benign. Review status: criteria provided, multiple submitters, no conflicts (2 of 4 stars). 3 submissions from 3 submitters: Likely benign (3). Last evaluated 2024-08-21.

Conditions:
Frasier syndrome. Identifiers: Orphanet 347, MedGen C0950122, MeSH D052159, MONDO:0007635, OMIM 136680.
Wilms tumor 1 (WT1). Also called: Wilms tumor, somatic. Identifiers: Orphanet 654, MedGen CN033288, MONDO:0008679, OMIM 194070.
11p partial monosomy syndrome (WAGR). Also called: CHROMOSOME 11p13 DELETION SYNDROME; WAGR Spectrum Disorder; WAGR syndrome; WAGR Complex. Identifiers: Orphanet 893, MedGen C0206115, MONDO:0008681, OMIM 194072.
Drash syndrome (DDS). Also called: NEPHROPATHY, WILMS TUMOR, AND GENITAL ANOMALIES; WILMS TUMOR AND PSEUDO- OR TRUE HERMAPHRODITISM. Identifiers: Orphanet 220, MedGen C0950121, MONDO:0008682, OMIM 194080.
Inborn genetic diseases. Identifiers: MedGen C0950123, MeSH D030342.

Allele frequency attached by ClinVar (database versions not stated): ExAC 0.00002; gnomAD exomes 0.00002.
gnomAD v4.1: 4 of 1,613,030 alleles (0.00025%); highest among the groups gnomAD compares: Admixed American, 0.0067%; no homozygotes.

Submissions (3):

Ambry Genetics
Classification: Likely benign for Inborn genetic diseases. Last evaluated: 2024-08-21. Review status: criteria provided, single submitter. Criteria: Ambry Variant Classification Scheme 2023. Collection method: clinical testing. Allele origin: germline.

Labcorp Genetics (formerly Invitae), Labcorp
Classification: Likely benign for Wilms tumor 1; Drash syndrome; 11p partial monosomy syndrome; Frasier syndrome. Last evaluated: 2024-02-05. Review status: criteria provided, single submitter. Criteria: Invitae Variant Classification Sherloc (09022015). Collection method: clinical testing. Allele origin: germline.

All of Us Research Program, National Institutes of Health
Classification: Likely benign for Wilms tumor 1. Last evaluated: 2023-08-28. Review status: criteria provided, single submitter. Criteria: ACMG Guidelines, 2015. Collection method: clinical testing. Allele origin: germline. Inheritance: Autosomal dominant inheritance. Observed: 1 variant allele, 1 heterozygote.
Comment: This study involves interpretation of variants in research participants for the purpose of population health screening. Participant phenotype was not available at the time of variant classification. Additional details can be found in publication PMID: 35346344, PMCID: PMC8962531